The following is an entry in ClinVar:

ClinVar aggregate classification (germline): Uncertain significance (1 of 4 stars; one submission).

gnomAD v4.1: 18 of 1,612,096 alleles (0.0011%); highest among the groups gnomAD compares: Non-Finnish European, 0.0015%; no homozygotes.

Submission:

GeneDx
Classification: Uncertain significance. Last evaluated: 2023-10-19. Review status: criteria provided, single submitter. Criteria: GeneDx Variant Classification Process June 2021. Collection method: clinical testing. Allele origin: germline. Affected: yes.
Comment: Not observed at significant frequency in large population cohorts (gnomAD); Canonical splice site variant in a gene or region of a gene for which loss of function is not a well-established mechanism of disease; Has not been previously published as pathogenic or benign to our knowledge

NM_001374828.1(ARID1B):c.1987-29723G>T

Gene: ARID1B (AT-rich interaction domain 1B; plus strand). Cytogenetic location: 6q25.3.
Variant type: single nucleotide variant.
Coding change: c.1987-29723G>T on transcript NM_001374828.1 (MANE Select); 29723 bases into the intron before coding-DNA position 1987, G replaced by T.
Molecular consequence: intron variant. On other transcripts: splice donor variant (2).
Genome position (GRCh38, 1-based): chr6:156,871,653, G>T. VCF-style: chr6-156871653-G-T. GRCh37 (hg19) VCF-style: chr6-157192787-G-T.
Other names: c.2025+1G>T (NM_001371656.1, NM_001374820.1); c.1987-29723G>T (NM_017519.3).
Identifiers: ClinVar variation 3366104 (VCV003366104.1).